The following is an entry in ClinVar:

ClinVar aggregate classification (germline): Uncertain significance. Review status: criteria provided, single submitter (1 of 4 stars). 2 submissions from 2 submitters: Uncertain significance (1). 1 of the submissions does not count toward it. Last evaluated 2025-03-19.

Conditions:
TRMU-related disorder. Also called: TRMU-related condition.
Acute infantile liver failure due to synthesis defect of mtDNA-encoded proteins. Also called: LIVER FAILURE, INFANTILE, TRANSIENT; Liver failure acute infantile; TRMU Deficiency. Identifiers: Orphanet 217371, MedGen C3278664, MONDO:0013111, OMIM 613070.

Submissions (2):

PreventionGenetics, part of Exact Sciences
Classification: Uncertain significance for TRMU-related condition. Last evaluated: 2025-03-19. Review status: criteria provided, single submitter. Criteria: ACMG Guidelines, 2015. Collection method: clinical testing. Allele origin: germline.
Comment: The TRMU c.979_981delATG variant is predicted to result in an in-frame deletion (p.Met327del). To our knowledge, this variant has not been reported in the literature. This variant is reported in 0.0029% of alleles in individuals of Latino descent in gnomAD. At this time, the clinical significance of this variant is uncertain due to the absence of conclusive functional and genetic evidence.

Natera, Inc.
Classification: Uncertain significance for Acute infantile liver failure due to synthesis defect of mtDNA-encoded proteins. Last evaluated: 2025-03-27. Review status: no assertion criteria provided. Collection method: clinical testing. Allele origin: germline. Not counted in ClinVar's aggregate classification.

NM_018006.5(TRMU):c.976ATG[1] (p.Met327del)

Gene: TRMU (tRNA mitochondrial 2-thiouridylase; plus strand). Cytogenetic location: 22q13.31.
Variant type: Microsatellite.
Coding change: c.976ATG[1] on transcript NM_018006.5 (MANE Select); one copy of the 3-base unit ATG starting at c.976; the reference has two copies in a row; one copy, 3 bases deleted.
Protein change: p.Met327del; deletes methionine 327.
Molecular consequence: non-coding transcript variant (on NR_104240.2).
Genome position (GRCh38, 1-based): chr22:46,355,549-46,355,551, ATG deleted; deleting any 3 consecutive bases within chr22:46,355,545-46,355,551 gives the same sequence; the position shown is the placement nearest the transcript's 3' end. VCF-style (leftmost placement, unchanged base first): chr22-46355544-AGAT-A. GRCh37 (hg19) VCF-style: chr22-46751441-AGAT-A.
Other names: c.634ATG[1], p.Met213del (NM_001282782.2); c.556ATG[1], p.Met187del (NM_001282783.2, NM_001282784.2); c.976ATG[1], p.Met327del (NM_001282785.2); c.979_981delATG (NM_018006.4); short protein forms M187del, M213del, M327del.
Identifiers: ClinVar variation 4062390 (VCV004062390.2).